The following is an entry in ClinVar:

ClinVar aggregate classification (germline): Uncertain significance (1 of 4 stars; one submission).

Conditions:
Ataxia-telangiectasia syndrome (AT). Also called: Cerebello-oculocutaneous telangiectasia; Immunodeficiency with ataxia telangiectasia; Ataxia-telangiectasia, complementation group D; AT, COMPLEMENTATION GROUP C; Ataxia-telangiectasia, complementation group E; LOUIS-BAR SYNDROME. Identifiers: Orphanet 100, MedGen C0004135, MONDO:0008840, OMIM 208900.

Submission:

Labcorp Genetics (formerly Invitae), Labcorp
Classification: Uncertain significance for Ataxia-telangiectasia syndrome. Last evaluated: 2019-03-05. Review status: criteria provided, single submitter. Criteria: Invitae Variant Classification Sherloc (09022015). Collection method: clinical testing. Allele origin: germline.
Comment: This variant has not been reported in the literature in individuals with ATM-related conditions. ClinVar contains an entry for this variant (Variation ID: 453555). In summary, the available evidence is currently insufficient to determine the role of this variant in disease. Therefore, it has been classified as a Variant of Uncertain Significance. Algorithms developed to predict the effect of missense changes on protein structure and function (SIFT, PolyPhen-2, Align-GVGD) all suggest that this variant is likely to be disruptive, but these predictions have not been confirmed by published functional studies and their clinical significance is uncertain. This variant is not present in population databases (ExAC no frequency). This sequence change replaces cysteine with tyrosine at codon 1674 of the ATM protein (p.Cys1674Tyr). The cysteine residue is highly conserved and there is a large physicochemical difference between cysteine and tyrosine.

NM_000051.4(ATM):c.5021G>A (p.Cys1674Tyr)

Gene: ATM (ATM serine/threonine kinase; plus strand). Cytogenetic location: 11q22.3.
Variant type: single nucleotide variant.
Coding change: c.5021G>A on transcript NM_000051.4 (MANE Select); coding-DNA position 5021, G replaced by A.
Protein change: p.Cys1674Tyr; replaces cysteine 1674 with tyrosine.
Molecular consequence: missense variant.
Genome position (GRCh38, 1-based): chr11:108,299,729, G>A. VCF-style: chr11-108299729-G-A. GRCh37 (hg19) VCF-style: chr11-108170456-G-A.
Other names: c.5021G>A, p.Cys1674Tyr (NM_001351834.2); short protein forms C1674Y.
Identifiers: ClinVar variation 453555 (VCV000453555.10), dbSNP rs1555104518, ClinGen allele CA382540167.